The following is an entry in ClinVar:

ClinVar aggregate classification (germline): Conflicting classifications of pathogenicity. Review status: criteria provided, conflicting classifications (1 of 4 stars). 5 submissions from 5 submitters: Uncertain significance (2); Likely benign (2). 1 of the submissions does not count toward it. Last evaluated 2026-01-06.

Conditions:
EVC-related disorder. Also called: EVC-related condition; EVC-related disorders.
Ellis-van Creveld syndrome (EVC). Also called: Chondroectodermal dysplasia; MESOECTODERMAL DYSPLASIA. Identifiers: Orphanet 289, MedGen C0013903, MONDO:0009162, OMIM 225500.
Curry-Hall syndrome (WAD). Also called: WEYERS ACRODENTAL DYSOSTOSIS. Identifiers: Orphanet 952, MedGen C0457013, MONDO:0008673, OMIM 193530.

Allele frequency attached by ClinVar (database versions not stated): gnomAD exomes 0.00068; 1000 Genomes Project 0.00100; 1000 Genomes Project 30x 0.00125; ESP Exome Variant Server 0.00138; gnomAD 0.00150 and 0.00151; TOPMed 0.00169.
gnomAD v4.1: 1,619 of 1,612,612 alleles (0.1%); highest among the groups gnomAD compares: African/African-American, 0.24%; no homozygotes.

Submissions (5):

Labcorp Genetics (formerly Invitae), Labcorp
Classification: Likely benign for Curry-Hall syndrome; Ellis-van Creveld syndrome. Last evaluated: 2026-01-06. Review status: criteria provided, single submitter. Criteria: Invitae Variant Classification Sherloc (09022015). Collection method: clinical testing. Allele origin: germline.

GeneDx
Classification: Likely benign. Last evaluated: 2020-10-14. Review status: criteria provided, single submitter. Criteria: GeneDx Variant Classification Process June 2021. Collection method: clinical testing. Allele origin: germline. Affected: yes.
Comment: In silico analysis, which includes protein predictors and evolutionary conservation, supports that this variant does not alter protein structure/function; Has not been previously published as pathogenic or benign to our knowledge

ARUP Laboratories, Molecular Genetics and Genomics, ARUP Laboratories
Classification: Uncertain significance. Last evaluated: 2020-08-24. Review status: criteria provided, single submitter. Criteria: ARUP Molecular Germline Variant Investigation Process. Collection method: clinical testing. Allele origin: germline.
Comment: The EVC c.2869G>A; p.Gly957Arg variant (rs35926225), to our knowledge, has not been reported in the medical literature; however, this variant is listed in the ClinVar database (Variation ID: ClinVar Variation ID: 349210). This variant is found in the general population with an overall allele frequency of 0.07% (913/275,000 alleles) in the Genome Aggregation Database. The glycine at codon 957 is weakly conserved (Alamut v.2.11) and computational analyses (SIFT, PolyPhen-2) predict that this variant is tolerated. Based on the available information, the clinical significance of this variant is uncertain.

Illumina Laboratory Services, Illumina
Classification: Uncertain significance for Ellis-van Creveld syndrome. Last evaluated: 2018-01-13. Review status: criteria provided, single submitter. Criteria: ICSL Variant Classification Criteria 13 December 2019. Collection method: clinical testing. Allele origin: germline.

PreventionGenetics, part of Exact Sciences
Classification: Likely benign for EVC-related condition. Last evaluated: 2024-08-08. Review status: no assertion criteria provided. Collection method: clinical testing. Allele origin: germline. Not counted in ClinVar's aggregate classification.
Comment: This variant is classified as likely benign based on ACMG/AMP sequence variant interpretation guidelines (Richards et al. 2015 PMID: 25741868, with internal and published modifications).

NM_153717.3(EVC):c.2869G>A (p.Gly957Arg)

Gene: EVC (EvC ciliary complex subunit 1; plus strand). Cytogenetic location: 4p16.2.
Variant type: single nucleotide variant.
Coding change: c.2869G>A on transcript NM_153717.3 (MANE Select); coding-DNA position 2869, G replaced by A.
Protein change: p.Gly957Arg; replaces glycine 957 with arginine.
Molecular consequence: missense variant.
Genome position (GRCh38, 1-based): chr4:5,810,425, G>A. VCF-style: chr4-5810425-G-A. GRCh37 (hg19) VCF-style: chr4-5812152-G-A.
Other names: c.2869G>A, p.Gly957Arg (NM_001306090.2); short protein forms G957R.
Identifiers: ClinVar variation 349210 (VCV000349210.28), dbSNP rs35926225, ClinGen allele CA2836717.